The following is an entry in ClinVar:

ClinVar aggregate classification (germline): Uncertain significance (1 of 4 stars; one submission).

Conditions:
Familial Mediterranean fever (FMF). Also called: Periodic peritonitis; Benign paroxysmal peritonitis; POLYSEROSITIS, FAMILIAL PAROXYSMAL; POLYSEROSITIS, RECURRENT. Identifiers: Orphanet 342, MedGen C0031069, MONDO:0018088, OMIM 249100. Disease mechanism: gain of function.

Submission:

Labcorp Genetics (formerly Invitae), Labcorp
Classification: Uncertain significance for Familial Mediterranean fever. Last evaluated: 2022-11-01. Review status: criteria provided, single submitter. Criteria: Invitae Variant Classification Sherloc (09022015). Collection method: clinical testing. Allele origin: germline.
Comment: This sequence change replaces phenylalanine, which is neutral and non-polar, with leucine, which is neutral and non-polar, at codon 648 of the MEFV protein (p.Phe648Leu). This variant is not present in population databases (gnomAD no frequency). This variant has not been reported in the literature in individuals affected with MEFV-related conditions. ClinVar contains an entry for this variant (Variation ID: 1365841). Algorithms developed to predict the effect of missense changes on protein structure and function output the following: SIFT: "Deleterious"; PolyPhen-2: "Probably Damaging"; Align-GVGD: "Class C0". The leucine amino acid residue is found in multiple mammalian species, which suggests that this missense change does not adversely affect protein function. In summary, the available evidence is currently insufficient to determine the role of this variant in disease. Therefore, it has been classified as a Variant of Uncertain Significance.

NM_000243.3(MEFV):c.1942T>C (p.Phe648Leu)

Genes: MEFV (MEFV innate immunity regulator, pyrin; minus strand), LOC126862264 (CDK7 strongly-dependent group 2 enhancer GRCh37_chr16:3293322-3294521; plus strand). Cytogenetic location: 16p13.3.
Variant type: single nucleotide variant.
Coding change: c.1942T>C on transcript NM_000243.3 (MANE Select); coding-DNA position 1942, T replaced by C.
Protein change: p.Phe648Leu; replaces phenylalanine 648 with leucine.
Molecular consequence: missense variant. On other transcripts: 3 prime UTR variant (1).
Genome position (GRCh38, 1-based): chr16:3,243,545, A>G on the plus strand (T>C on the coding strand, the complement: MEFV is on the minus strand). VCF-style: chr16-3243545-A-G. GRCh37 (hg19) VCF-style: chr16-3293545-A-G.
Other names: c.*146T>C (NM_001198536.2); short protein forms F648L.
Identifiers: ClinVar variation 1365841 (VCV001365841.8), dbSNP rs2141665045, ClinGen allele CA394487553.